The following is an entry in ClinVar:

NM_000551.4(VHL):c.226_227del (p.Phe76fs)

Gene: VHL (von Hippel-Lindau tumor suppressor; plus strand). Cytogenetic location: 3p25.3.
Variant type: Deletion.
Coding change: c.226_227del on transcript NM_000551.4 (MANE Select); coding-DNA positions 226 to 227, 2 bases deleted (TT; older notation c.226_227delTT).
Protein change: p.Phe76fs; shifts the reading frame from phenylalanine 76.
Molecular consequence: frameshift variant.
Genome position (GRCh38, 1-based): chr3:10,142,073-10,142,074, TT deleted. VCF-style (leftmost placement, unchanged base first): chr3-10142072-CTT-C. GRCh37 (hg19) VCF-style: chr3-10183756-CTT-C.
Other names: c.226_227delTT (NM_000551.3); c.226_227del, p.Phe76fs (NM_001354723.2, NM_198156.3); short protein forms F76fs.
Identifiers: ClinVar variation 411961 (VCV000411961.9), dbSNP rs1060503552, ClinGen allele CA16611078.

ClinVar aggregate classification (germline): Pathogenic. Review status: criteria provided, multiple submitters, no conflicts (2 of 4 stars). 2 submissions from 2 submitters: Pathogenic (2). Last evaluated 2020-12-01.

Conditions:
Von Hippel-Lindau syndrome (VHLS). Also called: Von Hippel-Lindau; VHL syndrome; von Hippel–Lindau syndrome. Identifiers: Orphanet 892, MedGen C0019562, MONDO:0008667, OMIM 193300. Disease mechanism: loss of function.
Chuvash polycythemia. Also called: POLYCYTHEMIA, VHL-DEPENDENT. Identifiers: Orphanet 238557, MedGen C1837915, MONDO:0009892, OMIM 263400.
Hereditary cancer-predisposing syndrome. Also called: Hereditary neoplastic syndrome; Neoplastic Syndromes, Hereditary; Tumor predisposition; Hereditary Cancer Syndrome. Identifiers: Orphanet 140162, MedGen C0027672, MeSH D009386, MONDO:0015356.

Submissions (2):

Ambry Genetics
Classification: Pathogenic for Hereditary cancer-predisposing syndrome. Last evaluated: 2020-12-01. Review status: criteria provided, single submitter. Criteria: Ambry Variant Classification Scheme 2023. Collection method: clinical testing. Allele origin: germline.
Comment: The c.226_227delTT pathogenic mutation, located in coding exon 1 of the VHL gene, results from a deletion of two nucleotides at nucleotide positions 226 to 227, causing a translational frameshift with a predicted alternate stop codon (p.F76Lfs*55). This alteration is expected to result in loss of function by premature protein truncation or nonsense-mediated mRNA decay. As such, this alteration is interpreted as a disease-causing mutation.

Labcorp Genetics (formerly Invitae), Labcorp
Classification: Pathogenic for Von Hippel-Lindau syndrome; Chuvash polycythemia. Last evaluated: 2016-10-25. Review status: criteria provided, single submitter. Criteria: Invitae Variant Classification Sherloc (09022015). Collection method: clinical testing. Allele origin: germline.
Comment: For these reasons, this variant has been classified as Pathogenic. While this particular variant has not been reported in the literature, loss-of-function variants in VHL are known to be pathogenic (PMID: 8956040, 12202531). This sequence change deletes 2 nucleotides from exon 1 of the VHL mRNA (c.226_227delTT), causing a frameshift at codon 76. This creates a premature translational stop signal (p.Phe76Leufs*55) and is expected to result in an absent or disrupted protein product.

Literature cited by the submitters: PubMed 8956040 (cited by Labcorp Genetics (formerly Invitae), Labcorp); PubMed 12202531 (cited by Labcorp Genetics (formerly Invitae), Labcorp).